The following is an entry in ClinVar:

ClinVar aggregate classification (germline): Uncertain significance (1 of 4 stars; one submission).

Conditions:
Hypertrophic cardiomyopathy. Also called: HYPERTROPHIC MYOCARDIOPATHY. Identifiers: Orphanet 217569, MedGen C0007194, MeSH D002312, MONDO:0005045, HP:0001639.

Submission:

Labcorp Genetics (formerly Invitae), Labcorp
Classification: Uncertain significance for Hypertrophic cardiomyopathy. Last evaluated: 2025-02-07. Review status: criteria provided, single submitter. Criteria: Invitae Variant Classification Sherloc (09022015). Collection method: clinical testing. Allele origin: germline.
Comment: This sequence change falls in intron 32 of the MYH7 gene. It does not directly change the encoded amino acid sequence of the MYH7 protein. This variant is not present in population databases (gnomAD no frequency). This variant has not been reported in the literature in individuals affected with MYH7-related conditions. Algorithms developed to predict the effect of sequence changes on RNA splicing suggest that this variant may disrupt the consensus splice site. In summary, the available evidence is currently insufficient to determine the role of this variant in disease. Therefore, it has been classified as a Variant of Uncertain Significance.

NM_000257.4(MYH7):c.4519+10G>C

Genes: MHRT (myosin heavy chain associated RNA transcript; plus strand), MYH7 (myosin heavy chain 7; minus strand). Cytogenetic location: 14q11.2.
Variant type: single nucleotide variant.
Coding change: c.4519+10G>C on transcript NM_000257.4 (MANE Select); 10 bases into the intron after coding-DNA position 4519, G replaced by C.
Molecular consequence: intron variant.
Genome position (GRCh38, 1-based): chr14:23,417,143, C>G on the plus strand (G>C on the coding strand, the complement: MYH7 is on the minus strand). VCF-style: chr14-23417143-C-G. GRCh37 (hg19) VCF-style: chr14-23886352-C-G.
Other names: c.4519+10G>C (NM_001407004.1).
Identifiers: ClinVar variation 4773258 (VCV004773258.1).